The following is an entry in ClinVar:

ClinVar aggregate classification (germline): Pathogenic. Review status: criteria provided, multiple submitters, no conflicts (2 of 4 stars). 2 submissions from 2 submitters: Pathogenic (2). Last evaluated 2025-10-07.

Submissions (2):

Labcorp Genetics (formerly Invitae), Labcorp
Classification: Pathogenic. Last evaluated: 2025-10-07. Review status: criteria provided, single submitter. Criteria: Invitae Variant Classification Sherloc (09022015). Collection method: clinical testing. Allele origin: germline.
Comment: This sequence change creates a premature translational stop signal (p.Ala64Profs*24) in the SMAD2 gene. It is expected to result in an absent or disrupted protein product. Loss-of-function variants in SMAD2 are known to be pathogenic (PMID: 30157302, 40028843). This variant is not present in population databases (gnomAD no frequency). This premature translational stop signal has been observed in individual(s) with clinical features of SMAD2-related conditions (PMID: 30622330; internal data). ClinVar contains an entry for this variant (Variation ID: 1201774). For these reasons, this variant has been classified as Pathogenic.

GeneDx
Classification: Pathogenic. Last evaluated: 2019-05-10. Review status: criteria provided, single submitter. Criteria: GeneDx Variant Classification Process June 2021. Collection method: clinical testing. Allele origin: germline. Affected: yes.
Comment: Not observed in large population cohorts (Lek et al., 2016); Has not been previously published as pathogenic or benign to our knowledge

Literature cited by the submitters: PubMed 30157302 (cited by Labcorp Genetics (formerly Invitae), Labcorp); PubMed 40028843 (cited by Labcorp Genetics (formerly Invitae), Labcorp); PubMed 30622330 (cited by Labcorp Genetics (formerly Invitae), Labcorp).

NM_005901.6(SMAD2):c.189del (p.Ala64fs)

Gene: SMAD2 (SMAD family member 2; minus strand). Cytogenetic location: 18q21.1.
Variant type: Deletion.
Coding change: c.189del on transcript NM_005901.6 (MANE Select); coding-DNA position 189, one base deleted (A; older notation c.189delA).
Protein change: p.Ala64fs; shifts the reading frame from alanine 64.
Molecular consequence: frameshift variant.
Genome position (GRCh38, 1-based): chr18:47,896,568, T deleted on the plus strand (A on the coding strand, the reverse complement: SMAD2 is on the minus strand); the first of 3 consecutive T bases (chr18:47,896,568-47,896,570); deleting any one gives the same sequence. VCF-style (leftmost placement, unchanged base first): chr18-47896567-CT-C. GRCh37 (hg19) VCF-style: chr18-45422938-CT-C.
Other names: c.189del, p.Ala64fs (NM_001003652.4, NM_001135937.3); short protein forms A64fs.
Identifiers: ClinVar variation 1201774 (VCV001201774.4), dbSNP rs2144474365, ClinGen allele CA2499225193.